The following is an entry in ClinVar:

NM_000492.4(CFTR):c.3056C>G (p.Thr1019Arg)

Genes: CFTR (CF transmembrane conductance regulator; plus strand), CFTR-AS2 (CFTR antisense RNA 2; minus strand), LOC111674472 (DNase I hypersensitive sites in introns 16 and 17a of CFTR; plus strand). Cytogenetic location: 7q31.2.
Variant type: single nucleotide variant.
Coding change: c.3056C>G on transcript NM_000492.4 (MANE Select); coding-DNA position 3056, C replaced by G.
Protein change: p.Thr1019Arg; replaces threonine 1019 with arginine.
Molecular consequence: missense variant.
Genome position (GRCh38, 1-based): chr7:117,610,586, C>G. VCF-style: chr7-117610586-C-G. GRCh37 (hg19) VCF-style: chr7-117250640-C-G.
Other names: short protein forms T1019R.
Identifiers: ClinVar variation 5034441 (VCV005034441.1).
Genomic context (GRCh38, chr7:117,610,586, plus strand): 5'-TAATTGTGATTGGAGCTATAGCAGTTGTCGCAGTTTTACAACCCTACATCTTTGTTGCAA[C>G]AGTGCCAGTGATAGTGGCTTTTATTATGTTGAGAGCATATTTCCTCCAAACCTCACAGCA-3'
Protein context (NP_000483.3, residues 1009-1029): AVLQPYIFVA[Thr1019Arg]VPVIVAFIML

ClinVar aggregate classification (germline): Uncertain significance (1 of 4 stars; one submission).

Conditions:
Cystic fibrosis (CF). Also called: MUCOVISCIDOSIS. Identifiers: Orphanet 586, MedGen C0010674, MONDO:0009061, OMIM 219700. Disease mechanism: loss of function.

Submission:

Ambry Genetics
Classification: Uncertain significance for Cystic fibrosis. Last evaluated: 2026-07-17. Review status: criteria provided, single submitter. Criteria: Ambry Variant Classification Scheme 2023. Collection method: clinical testing. Allele origin: germline.
Comment: The p.T1019R variant (also known as c.3056C>G), located in coding exon 19 of the CFTR gene, results from a C to G substitution at nucleotide position 3056. The threonine at codon 1019 is replaced by arginine, an amino acid with similar properties. This amino acid position is conserved. In addition, the in silico prediction for this alteration is inconclusive. Based on the available evidence, the clinical significance of this variant remains unclear.